The following is an entry in ClinVar:

ClinVar aggregate classification (germline): Uncertain significance (1 of 4 stars; one submission).

Conditions:
Multiple endocrine neoplasia type 4. Also called: MULTIPLE ENDOCRINE NEOPLASIA, TYPE IV. Identifiers: Orphanet 276152, MedGen C1970712, MONDO:0012552, OMIM 610755.

Submission:

Labcorp Genetics (formerly Invitae), Labcorp
Classification: Uncertain significance for Multiple endocrine neoplasia type 4. Last evaluated: 2023-06-14. Review status: criteria provided, single submitter. Criteria: Invitae Variant Classification Sherloc (09022015). Collection method: clinical testing. Allele origin: germline.
Comment: This variant is not present in population databases (gnomAD no frequency). This sequence change replaces aspartic acid, which is acidic and polar, with histidine, which is basic and polar, at codon 51 of the CDKN1B protein (p.Asp51His). This variant has not been reported in the literature in individuals affected with CDKN1B-related conditions. An algorithm developed to predict the effect of missense changes on protein structure and function (PolyPhen-2) suggests that this variant is likely to be disruptive. In summary, the available evidence is currently insufficient to determine the role of this variant in disease. Therefore, it has been classified as a Variant of Uncertain Significance.

NM_004064.5(CDKN1B):c.151G>C (p.Asp51His)

Gene: CDKN1B (cyclin dependent kinase inhibitor 1B; plus strand). Cytogenetic location: 12p13.1.
Variant type: single nucleotide variant.
Coding change: c.151G>C on transcript NM_004064.5 (MANE Select); coding-DNA position 151, G replaced by C.
Protein change: p.Asp51His; replaces aspartic acid 51 with histidine.
Molecular consequence: missense variant.
Genome position (GRCh38, 1-based): chr12:12,717,990, G>C. VCF-style: chr12-12717990-G-C. GRCh37 (hg19) VCF-style: chr12-12870924-G-C.
Other names: short protein forms D51H.
Identifiers: ClinVar variation 3021963 (VCV003021963.3), dbSNP rs369554045, ClinGen allele CA383968991.